The following is an entry in ClinVar:

ClinVar aggregate classification (germline): Uncertain significance (1 of 4 stars; one submission).

Allele frequency attached by ClinVar (database versions not stated): gnomAD exomes 0.00001.
gnomAD v4.1: 13 of 1,606,018 alleles (0.00081%); highest among the groups gnomAD compares: East Asian, 0.0023%; no homozygotes.

Submission:

Labcorp Genetics (formerly Invitae), Labcorp
Classification: Uncertain significance. Last evaluated: 2022-02-09. Review status: criteria provided, single submitter. Criteria: Invitae Variant Classification Sherloc (09022015). Collection method: clinical testing. Allele origin: germline.
Comment: This sequence change replaces methionine, which is neutral and non-polar, with threonine, which is neutral and polar, at codon 21 of the PRDX1 protein (p.Met21Thr). In summary, the available evidence is currently insufficient to determine the role of this variant in disease. Therefore, it has been classified as a Variant of Uncertain Significance. Algorithms developed to predict the effect of missense changes on protein structure and function are either unavailable or do not agree on the potential impact of this missense change (SIFT: "Deleterious"; PolyPhen-2: "Possibly Damaging"; Align-GVGD: "Class C0"). This variant has not been reported in the literature in individuals affected with PRDX1-related conditions. This variant is not present in population databases (gnomAD no frequency).

NM_181697.3(PRDX1):c.62T>C (p.Met21Thr)

Gene: PRDX1 (peroxiredoxin 1; minus strand). Cytogenetic location: 1p34.1.
Variant type: single nucleotide variant.
Coding change: c.62T>C on transcript NM_181697.3 (MANE Select); coding-DNA position 62, T replaced by C.
Protein change: p.Met21Thr; replaces methionine 21 with threonine.
Molecular consequence: missense variant.
Genome position (GRCh38, 1-based): chr1:45,518,982, A>G on the plus strand (T>C on the coding strand, the complement: PRDX1 is on the minus strand). VCF-style: chr1-45518982-A-G. GRCh37 (hg19) VCF-style: chr1-45984654-A-G.
Other names: c.62T>C, p.Met21Thr (NM_001202431.2, NM_002574.4, NM_181696.3); short protein forms M21T.
Identifiers: ClinVar variation 1358649 (VCV001358649.7), dbSNP rs779936396, ClinGen allele CA340138186.